The following is an entry in ClinVar:

NM_001040108.2(MLH3):c.1350T>C (p.His450=)

Gene: MLH3 (mutL homolog 3; minus strand). Cytogenetic location: 14q24.3.
Variant type: single nucleotide variant.
Coding change: c.1350T>C on transcript NM_001040108.2 (MANE Select); coding-DNA position 1350, T replaced by C.
Protein change: p.His450=; no amino-acid change (histidine 450 retained).
Molecular consequence: synonymous variant.
Genome position (GRCh38, 1-based): chr14:75,048,306, A>G on the plus strand (T>C on the coding strand, the complement: MLH3 is on the minus strand). VCF-style: chr14-75048306-A-G. GRCh37 (hg19) VCF-style: chr14-75515009-A-G.
Other names: c.1350T>C, p.His450= (NM_014381.3).
Identifiers: ClinVar variation 1770600 (VCV001770600.4), dbSNP rs2503297706, ClinGen allele CA487274029.

ClinVar aggregate classification (germline): Benign/Likely benign. Review status: criteria provided, multiple submitters, no conflicts (2 of 4 stars). 3 submissions from 3 submitters: Benign (1); Likely benign (2). Last evaluated 2026-09-18.

Conditions:
Colorectal cancer, hereditary nonpolyposis, type 7. Identifiers: Orphanet 144, MedGen C1858380, MONDO:0013725, OMIM 614385.
MLH3-related disorder. Also called: MLH3-related condition.

Allele frequency attached by ClinVar (database versions not stated): gnomAD exomes below 0.00001.
gnomAD v4.1: 2 of 1,614,092 alleles (0.00012%); highest among the groups gnomAD compares: Non-Finnish European, 0.00017%; no homozygotes.

Submissions (3):

Myriad Genetics, Inc.
Classification: Benign for Colorectal cancer, hereditary nonpolyposis, type 7. Last evaluated: 2026-09-18. Review status: criteria provided, single submitter. Criteria: Myriad Autosomal Dominant, Autosomal Recessive and X-Linked Classification Criteria (2023). Collection method: clinical testing. Allele origin: unknown.
Comment: This variant is considered benign. This variant is a silent/synonymous amino acid change and it is not expected to impact splicing.

PreventionGenetics, part of Exact Sciences
Classification: Likely benign for MLH3-related condition. Last evaluated: 2025-01-27. Review status: criteria provided, single submitter. Criteria: ACMG Guidelines, 2015. Collection method: clinical testing. Allele origin: germline.
Comment: This variant is classified as likely benign based on ACMG/AMP sequence variant interpretation guidelines (Richards et al. 2015 PMID: 25741868, with internal and published modifications).

Ambry Genetics
Classification: Likely benign. Last evaluated: 2020-01-16. Review status: criteria provided, single submitter. Criteria: Ambry Variant Classification Scheme 2023. Collection method: clinical testing. Allele origin: germline.